The following is an entry in ClinVar:

NM_000875.5(IGF1R):c.4095G>A (p.Ser1365=)

Gene: IGF1R (insulin like growth factor 1 receptor; plus strand). Cytogenetic location: 15q26.3.
Variant type: single nucleotide variant.
Coding change: c.4095G>A on transcript NM_000875.5 (MANE Select); coding-DNA position 4095, G replaced by A.
Protein change: p.Ser1365=; no amino-acid change (serine 1365 retained).
Molecular consequence: synonymous variant.
Genome position (GRCh38, 1-based): chr15:98,957,433, G>A. VCF-style: chr15-98957433-G-A. GRCh37 (hg19) VCF-style: chr15-99500662-G-A.
Other names: c.4092G>A, p.Ser1364= (NM_001291858.2).
Identifiers: ClinVar variation 778571 (VCV000778571.10), dbSNP rs771929410, ClinGen allele CA7752895.

ClinVar aggregate classification (germline): Likely benign. Review status: criteria provided, single submitter (1 of 4 stars). 2 submissions from 2 submitters: Likely benign (1). 1 of the submissions does not count toward it. Last evaluated 2025-09-04.

Conditions:
IGF1R-related disorder. Also called: IGF1R-related condition.

Allele frequency attached by ClinVar (database versions not stated): gnomAD 0.00003 and 0.00004; gnomAD exomes 0.00003 and 0.00010; TOPMed 0.00005; ExAC 0.00006.
gnomAD v4.1: 46 of 1,612,854 alleles (0.0029%); highest among the groups gnomAD compares: Admixed American, 0.037%; no homozygotes.

Submissions (2):

Labcorp Genetics (formerly Invitae), Labcorp
Classification: Likely benign. Last evaluated: 2025-09-04. Review status: criteria provided, single submitter. Criteria: Invitae Variant Classification Sherloc (09022015). Collection method: clinical testing. Allele origin: germline.

PreventionGenetics, part of Exact Sciences
Classification: Likely benign for IGF1R-related condition. Last evaluated: 2019-07-02. Review status: no assertion criteria provided. Collection method: clinical testing. Allele origin: germline. Not counted in ClinVar's aggregate classification.
Comment: This variant is classified as likely benign based on ACMG/AMP sequence variant interpretation guidelines (Richards et al. 2015 PMID: 25741868, with internal and published modifications).